The following is an entry in ClinVar:

NM_000629.3(IFNAR1):c.1143+1G>A

Gene: IFNAR1 (interferon alpha and beta receptor subunit 1; plus strand). Cytogenetic location: 21q22.11.
Variant type: single nucleotide variant.
Coding change: c.1143+1G>A on transcript NM_000629.3 (MANE Select); the canonical splice donor site of the intron after coding-DNA position 1143, G replaced by A.
Molecular consequence: splice donor variant.
Genome position (GRCh38, 1-based): chr21:33,349,544, G>A. VCF-style: chr21-33349544-G-A. GRCh37 (hg19) VCF-style: chr21-34721850-G-A.
Other names: c.1143+1G>A (NM_000629.2, NM_001384498.1, NM_001384503.1 and 1 more transcripts); c.936+1G>A (NM_001384504.1); c.381+1G>A (NM_001384500.1); c.1128+1G>A (NM_001384501.1); c.681+1G>A (NM_001384502.1).
Identifiers: ClinVar variation 1930164 (VCV001930164.6), dbSNP rs756137377, ClinGen allele CA10006665.

ClinVar aggregate classification (germline): Likely pathogenic. Review status: criteria provided, multiple submitters, no conflicts (2 of 4 stars). 2 submissions from 2 submitters: Likely pathogenic (2). Last evaluated 2025-06-04.

Conditions:
IFNAR1-related disorder. Also called: IFNAR1-related condition.

Allele frequency attached by ClinVar (database versions not stated): gnomAD 0.00001; gnomAD exomes 0.00001; ExAC 0.00002; TOPMed 0.00005.
gnomAD v4.1: 15 of 1,580,378 alleles (0.00095%); highest among the groups gnomAD compares: Admixed American, 0.0035%; no homozygotes.

Submissions (2):

PreventionGenetics, part of Exact Sciences
Classification: Likely pathogenic for IFNAR1-related condition. Last evaluated: 2025-06-04. Review status: criteria provided, single submitter. Criteria: ACMG Guidelines, 2015. Collection method: clinical testing. Allele origin: germline.
Comment: The IFNAR1 c.1143+1G>A variant is predicted to disrupt the GT donor site and interfere with normal splicing. To our knowledge, this variant has not been reported in the literature. This variant is reported in 0.0027% of alleles in individuals of European (Non-Finnish) descent in gnomAD. Variants that disrupt the consensus splice donor site in IFNAR1 are expected to be pathogenic. This variant is interpreted as likely pathogenic.

Labcorp Genetics (formerly Invitae), Labcorp
Classification: Likely pathogenic. Last evaluated: 2024-06-14. Review status: criteria provided, single submitter. Criteria: Invitae Variant Classification Sherloc (09022015). Collection method: clinical testing. Allele origin: germline.
Comment: This sequence change affects a donor splice site in intron 8 of the IFNAR1 gene. It is expected to disrupt RNA splicing. Variants that disrupt the donor or acceptor splice site typically lead to a loss of protein function (PMID: 16199547), and loss-of-function variants in IFNAR1 are known to be pathogenic (PMID: 31270247, 32960813). This variant is present in population databases (rs756137377, gnomAD 0.003%). This variant has not been reported in the literature in individuals affected with IFNAR1-related conditions. ClinVar contains an entry for this variant (Variation ID: 1930164). Algorithms developed to predict the effect of sequence changes on RNA splicing suggest that this variant may disrupt the consensus splice site. In summary, the currently available evidence indicates that the variant is pathogenic, but additional data are needed to prove that conclusively. Therefore, this variant has been classified as Likely Pathogenic.

Literature cited by the submitters: PubMed 16199547 (cited by Labcorp Genetics (formerly Invitae), Labcorp); PubMed 31270247 (cited by Labcorp Genetics (formerly Invitae), Labcorp); PubMed 32960813 (cited by Labcorp Genetics (formerly Invitae), Labcorp).